The following is an entry in ClinVar:

NM_182948.4(PRKACB):c.393G>C (p.Lys131Asn)

Gene: PRKACB (protein kinase cAMP-activated catalytic subunit beta; plus strand). Cytogenetic location: 1p31.1.
Variant type: single nucleotide variant.
Coding change: c.393G>C on transcript NM_182948.4 (MANE Select); coding-DNA position 393, G replaced by C.
Protein change: p.Lys131Asn; replaces lysine 131 with asparagine.
Molecular consequence: missense variant. On other transcripts: intron variant (1).
Genome position (GRCh38, 1-based): chr1:84,184,051, G>C. VCF-style: chr1-84184051-G-C. GRCh37 (hg19) VCF-style: chr1-84649734-G-C.
Other names: c.273G>C, p.Lys91Asn (NM_001242857.3, NM_001375569.1, NM_001375581.1); c.216G>C, p.Lys72Asn (NM_001242858.3, NM_001300917.2, NM_001375578.1); c.264G>C, p.Lys88Asn (NM_001242859.3, NM_001375572.1); c.270G>C, p.Lys90Asn (NM_001242860.3, NM_001300915.2, NM_001375571.1); c.213G>C, p.Lys71Asn (NM_001242862.3, NM_001375565.1, NM_001375579.1 and 1 more transcripts); c.393G>C, p.Lys131Asn (NM_001300916.2); c.261G>C, p.Lys87Asn (NM_001375560.1, NM_001375573.1, NM_001375575.1); c.246G>C, p.Lys82Asn (NM_001375561.1, NM_001375574.1, NM_001375577.1); and 5 more; short protein forms K131N, K71N, K72N, K79N, K80N, K82N, K83N, K84N.
Identifiers: ClinVar variation 3367481 (VCV003367481.1).

ClinVar aggregate classification (germline): Uncertain significance (1 of 4 stars; one submission).

Submission:

GeneDx
Classification: Uncertain significance. Last evaluated: 2024-01-05. Review status: criteria provided, single submitter. Criteria: GeneDx Variant Classification Process June 2021. Collection method: clinical testing. Allele origin: germline. Affected: yes.
Comment: Not observed at significant frequency in large population cohorts (gnomAD); In silico analysis supports that this missense variant has a deleterious effect on protein structure/function; Has not been previously published as pathogenic or benign to our knowledge.